The following is an entry in ClinVar:

NM_004370.6(COL12A1):c.1204A>G (p.Ile402Val)

Gene: COL12A1 (collagen type XII alpha 1 chain; minus strand). Cytogenetic location: 6q13.
Variant type: single nucleotide variant.
Coding change: c.1204A>G on transcript NM_004370.6 (MANE Select); coding-DNA position 1204, A replaced by G.
Protein change: p.Ile402Val; replaces isoleucine 402 with valine.
Molecular consequence: missense variant. On other transcripts: intron variant (1).
Genome position (GRCh38, 1-based): chr6:75,183,938, T>C on the plus strand (A>G on the coding strand, the complement: COL12A1 is on the minus strand). VCF-style: chr6-75183938-T-C. GRCh37 (hg19) VCF-style: chr6-75893654-T-C.
Other names: c.73+18782A>G (NM_080645.3); short protein forms I402V.
Identifiers: ClinVar variation 642285 (VCV000642285.9), dbSNP rs1582198261, ClinGen allele CA364772874.

ClinVar aggregate classification (germline): Uncertain significance (1 of 4 stars; one submission).

Conditions:
Ullrich congenital muscular dystrophy 2 (UCMD2). Identifiers: Orphanet 75840, MedGen C4225314, MONDO:0014654, OMIM 616470.
Bethlem myopathy 2 (BTHLM2). Identifiers: Orphanet 536516, Orphanet 610, MedGen C4225313, MONDO:0034022, OMIM 616471.

Allele frequency attached by ClinVar (database versions not stated): gnomAD exomes below 0.00001; TOPMed below 0.00001.
gnomAD v4.1: 2 of 1,614,182 alleles (0.00012%); highest among the groups gnomAD compares: Middle Eastern, 0.016%; no homozygotes.

Submission:

Labcorp Genetics (formerly Invitae), Labcorp
Classification: Uncertain significance for Bethlem myopathy 2; Ullrich congenital muscular dystrophy 2. Last evaluated: 2022-06-07. Review status: criteria provided, single submitter. Criteria: Invitae Variant Classification Sherloc (09022015). Collection method: clinical testing. Allele origin: germline.
Comment: This variant has not been reported in the literature in individuals affected with COL12A1-related conditions. In summary, the available evidence is currently insufficient to determine the role of this variant in disease. Therefore, it has been classified as a Variant of Uncertain Significance. Algorithms developed to predict the effect of sequence changes on RNA splicing suggest that this variant may create or strengthen a splice site. Algorithms developed to predict the effect of missense changes on protein structure and function are either unavailable or do not agree on the potential impact of this missense change (SIFT: "Deleterious"; PolyPhen-2: "Probably Damaging"; Align-GVGD: "Class C0"). ClinVar contains an entry for this variant (Variation ID: 642285). This variant is not present in population databases (gnomAD no frequency). This sequence change replaces isoleucine, which is neutral and non-polar, with valine, which is neutral and non-polar, at codon 402 of the COL12A1 protein (p.Ile402Val).